The following is an entry in ClinVar:

NM_001204.7(BMPR2):c.235C>G (p.Leu79Val)

Gene: BMPR2 (bone morphogenetic protein receptor type 2; plus strand). Cytogenetic location: 2q33.1.
Variant type: single nucleotide variant.
Coding change: c.235C>G on transcript NM_001204.7 (MANE Select); coding-DNA position 235, C replaced by G.
Protein change: p.Leu79Val; replaces leucine 79 with valine.
Molecular consequence: missense variant.
Genome position (GRCh38, 1-based): chr2:202,464,967, C>G. VCF-style: chr2-202464967-C-G. GRCh37 (hg19) VCF-style: chr2-203329690-C-G.
Other names: short protein forms L79V.
Identifiers: ClinVar variation 3992204 (VCV003992204.1).

ClinVar aggregate classification (germline): Uncertain significance (1 of 4 stars; one submission).

Conditions:
Inborn genetic diseases. Identifiers: MedGen C0950123, MeSH D030342.

Submission:

Ambry Genetics
Classification: Uncertain significance for Inborn genetic diseases. Last evaluated: 2025-05-27. Review status: criteria provided, single submitter. Criteria: Ambry Variant Classification Scheme 2023. Collection method: clinical testing. Allele origin: germline.
Comment: The p.L79V variant (also known as c.235C>G), located in coding exon 2 of the BMPR2 gene, results from a C to G substitution at nucleotide position 235. The leucine at codon 79 is replaced by valine, an amino acid with highly similar properties. This amino acid position is conserved. In addition, the in silico prediction for this alteration is inconclusive. Based on the available evidence, the clinical significance of this variant remains unclear.